The following is an entry in ClinVar:

ClinVar aggregate classification (germline): Uncertain significance (1 of 4 stars; one submission).

Conditions:
Malignant hyperthermia, susceptibility to, 1 (MHS1). Also called: Anesthesia related hyperthermia; Malignant hyperpyrexia; Fulminating hyperpyrexia; Pharmacogenic myopathy; Malignant hyperthermia suceptibility 1; RYR1-Related Malignant Hyperthermia Susceptibility. Identifiers: Orphanet 423, MedGen C2930980, MONDO:0007783, OMIM 145600.

gnomAD v4.1: 2 of 1,613,642 alleles (0.00012%); highest among the groups gnomAD compares: Admixed American, 0.0017%; no homozygotes.

Submission:

All of Us Research Program, National Institutes of Health
Classification: Uncertain significance for Malignant hyperthermia, susceptibility to, 1. Last evaluated: 2024-08-13. Review status: criteria provided, single submitter. Criteria: ACMG Guidelines, 2015. Collection method: clinical testing. Allele origin: germline. Inheritance: Autosomal dominant inheritance. Observed: 1 variant allele, 1 heterozygote.
Comment: This missense variant replaces alanine with threonine at codon 2289 of the RYR1 protein. Computational prediction suggests that this variant may have deleterious impact on protein structure and function (internally defined REVEL score threshold >= 0.7, PMID: 27666373). To our knowledge, functional studies have not been reported for this variant. This variant has not been reported in individuals affected with RYR1-related disorders in the literature. This variant has been identified in 1/250374 chromosomes in the general population by the Genome Aggregation Database (gnomAD). The available evidence is insufficient to determine the role of this variant in disease conclusively. Therefore, this variant is classified as a Variant of Uncertain Significance.

This study involves interpretation of variants in research participants for the purpose of population health screening. Participant phenotype was not available at the time of variant classification. Additional details can be found in publication PMID: 35346344, PMCID: PMC8962531

NM_000540.3(RYR1):c.6865G>A (p.Ala2289Thr)

Gene: RYR1 (ryanodine receptor 1; plus strand). Cytogenetic location: 19q13.2.
Variant type: single nucleotide variant.
Coding change: c.6865G>A on transcript NM_000540.3 (MANE Select); coding-DNA position 6865, G replaced by A.
Protein change: p.Ala2289Thr; replaces alanine 2289 with threonine.
Molecular consequence: missense variant.
Genome position (GRCh38, 1-based): chr19:38,496,928, G>A. VCF-style: chr19-38496928-G-A. GRCh37 (hg19) VCF-style: chr19-38987568-G-A.
Other names: c.6865G>A, p.Ala2289Thr (NM_001042723.2); short protein forms A2289T.
Identifiers: ClinVar variation 3385436 (VCV003385436.1).
Genomic context (GRCh38, chr19:38,496,928, plus strand): 5'-GGCTCCACGCCCCTGGACGTGGCTGCTGCCTCCGTCATTGACAACAATGAGCTGGCCTTG[G>A]CATTGCAGGAGCAGGACCTGGAAAAGGTGTGGAGGGCAGGGCTGGGCCCCAGGCCTAAGG-3'
Protein context (NP_000531.2, residues 2279-2299): SVIDNNELAL[Ala2289Thr]LQEQDLEKVV